The following is an entry in ClinVar:

ClinVar aggregate classification (germline): Benign/Likely benign. Review status: criteria provided, multiple submitters, no conflicts (2 of 4 stars). 6 submissions from 6 submitters: Benign (2); Likely benign (3). 1 of the submissions does not count toward it. Last evaluated 2020-12-12.

Conditions:
Hecht syndrome (DA7). Also called: MOUTH, INABILITY TO OPEN COMPLETELY, AND SHORT FINGER-FLEXOR TENDONS; Dutch-Kentucky syndrome. Identifiers: Orphanet 3377, MedGen C0265226, MONDO:0008016, OMIM 158300. Disease mechanism: gain of function.

Allele frequency attached by ClinVar (database versions not stated): gnomAD exomes 0.00110 and 0.00315; ExAC 0.00374; gnomAD 0.01151 and 0.01251; 1000 Genomes Project 0.01218; 1000 Genomes Project 30x 0.01218; TOPMed 0.01292; ESP Exome Variant Server 0.01499.
gnomAD v4.1: 3,431 of 1,614,160 alleles (0.21%); highest among the groups gnomAD compares: African/African-American, 3.9%; 65 homozygotes.

Submissions (6):

GeneDx
Classification: Likely benign. Last evaluated: 2020-12-12. Review status: criteria provided, single submitter. Criteria: GeneDx Variant Classification Process June 2021. Collection method: clinical testing. Allele origin: germline. Affected: yes.

Labcorp Genetics (formerly Invitae), Labcorp
Classification: Benign. Last evaluated: 2019-12-31. Review status: criteria provided, single submitter. Criteria: Invitae Variant Classification Sherloc (09022015). Collection method: clinical testing. Allele origin: germline.

Illumina Laboratory Services, Illumina
Classification: Likely benign for Hecht syndrome. Last evaluated: 2018-01-13. Review status: criteria provided, single submitter. Criteria: ICSL Variant Classification Criteria 13 December 2019. Collection method: clinical testing. Allele origin: germline.
Comment: This variant was observed in the ICSL laboratory as part of a predisposition screen in an ostensibly healthy population. It had not been previously curated by ICSL or reported in the Human Gene Mutation Database (HGMD: prior to June 1st, 2018), and was therefore a candidate for classification through an automated scoring system. Utilizing variant allele frequency, disease prevalence and penetrance estimates, and inheritance mode, an automated score was calculated to assess if this variant is too frequent to cause the disease. Based on the score and internal cut-off values, a variant classified as likely benign is not then subjected to further curation. The score for this variant resulted in a classification of likely benign for this disease.

Breakthrough Genomics
Classification: Likely benign. Review status: criteria provided, single submitter. Criteria: ACMG Guidelines, 2015. Collection method: not provided. Allele origin: germline. Inheritance: Autosomal dominant inheritance. Affected: yes.

PreventionGenetics, part of Exact Sciences
Classification: Benign. Review status: criteria provided, single submitter. Criteria: ACMG Guidelines, 2015. Collection method: clinical testing. Allele origin: germline.

Genetic Services Laboratory, University of Chicago
Classification: Likely benign for AllHighlyPenetrant. Review status: no assertion criteria provided. Collection method: clinical testing. Allele origin: germline. Inheritance: Autosomal dominant inheritance. Not counted in ClinVar's aggregate classification.
Comment: Likely benign based on allele frequency in 1000 Genomes Project or ESP global frequency and its presence in a patient with a rare or unrelated disease phenotype. NOT Sanger confirmed.

NM_002472.3(MYH8):c.4233C>T (p.Asn1411=)

Genes: MYHAS (myosin heavy chain gene cluster antisense RNA; plus strand), MYH8 (myosin heavy chain 8; minus strand). Cytogenetic location: 17p13.1.
Variant type: single nucleotide variant.
Coding change: c.4233C>T on transcript NM_002472.3 (MANE Select); coding-DNA position 4233, C replaced by T.
Protein change: p.Asn1411=; no amino-acid change (asparagine 1411 retained).
Molecular consequence: synonymous variant.
Genome position (GRCh38, 1-based): chr17:10,396,932, G>A on the plus strand (C>T on the coding strand, the complement: MYH8 is on the minus strand). VCF-style: chr17-10396932-G-A. GRCh37 (hg19) VCF-style: chr17-10300249-G-A.
Identifiers: ClinVar variation 129677 (VCV000129677.17), dbSNP rs138992963, ClinGen allele CA153828.
Genomic context (GRCh38, chr17:10,396,932, plus strand): 5'-GAGGTCTTCAACTTCATTCTGGAGCCGCTGCTTCGTCTTCTCAAGGGAAGCACATTTGGC[G>A]TTCACAGCTTCTACATGTTCCTCAGCTTCTTGCAGGCGCTGGGCCAACTTTTTCCTGAAA-3'
Protein context (NP_002463.2, residues 1401-1421): QEAEEHVEAV[Asn1411=]AKCASLEKTK